The following is an entry in ClinVar:

ClinVar aggregate classification (germline): Uncertain significance (1 of 4 stars; one submission).

Conditions:
Amyotrophic lateral sclerosis type 21. Also called: VOCAL CORD AND PHARYNGEAL DYSFUNCTION WITH DISTAL MYOPATHY; MYOPATHY, DISTAL, 2. Identifiers: Orphanet 600, Orphanet 803, MedGen C3807521, MONDO:0011632, OMIM 606070.

gnomAD v4.1: 1 of 1,614,216 alleles (0.000062%); highest among the groups gnomAD compares: Admixed American, 0.0017%; no homozygotes.

Submission:

Labcorp Genetics (formerly Invitae), Labcorp
Classification: Uncertain significance for Amyotrophic lateral sclerosis type 21. Last evaluated: 2022-01-14. Review status: criteria provided, single submitter. Criteria: Invitae Variant Classification Sherloc (09022015). Collection method: clinical testing. Allele origin: germline.
Comment: This sequence change replaces glutamine, which is neutral and polar, with arginine, which is basic and polar, at codon 616 of the MATR3 protein (p.Gln616Arg). This variant is not present in population databases (gnomAD no frequency). In summary, the available evidence is currently insufficient to determine the role of this variant in disease. Therefore, it has been classified as a Variant of Uncertain Significance. Algorithms developed to predict the effect of missense changes on protein structure and function (SIFT, PolyPhen-2, Align-GVGD) all suggest that this variant is likely to be tolerated. This variant has not been reported in the literature in individuals affected with MATR3-related conditions.

NM_018834.6(MATR3):c.1847A>G (p.Gln616Arg)

Genes: MATR3 (matrin 3; plus strand), LOC126807526 (CDK7 strongly-dependent group 2 enhancer GRCh37_chr5:138657767-138658966; plus strand). Cytogenetic location: 5q31.2.
Variant type: single nucleotide variant.
Coding change: c.1847A>G on transcript NM_018834.6 (MANE Select); coding-DNA position 1847, A replaced by G.
Protein change: p.Gln616Arg; replaces glutamine 616 with arginine.
Molecular consequence: missense variant.
Genome position (GRCh38, 1-based): chr5:139,322,666, A>G. VCF-style: chr5-139322666-A-G. GRCh37 (hg19) VCF-style: chr5-138658355-A-G.
Other names: c.1847A>G, p.Gln616Arg (NM_001194954.2, NM_001194955.2, NM_199189.3); c.983A>G, p.Gln328Arg (NM_001194956.2); c.833A>G, p.Gln278Arg (NM_001282278.2); short protein forms Q278R, Q328R, Q616R.
Identifiers: ClinVar variation 1426130 (VCV001426130.8), dbSNP rs2152009933, ClinGen allele CA361143683.